The following is an entry in ClinVar:

ClinVar aggregate classification (germline): Likely pathogenic (1 of 4 stars; one submission).

Conditions:
Severe myoclonic epilepsy in infancy (DRVT). Also called: Epileptic encephalopathy, early infantile, 6 (Dravet syndrome); SEVERE MYOCLONIC EPILEPSY OF INFANCY; DEVELOPMENTAL AND EPILEPTIC ENCEPHALOPATHY 6A; Severe Myoclonic Epilepsy in Infancy (SMEI); Dravet syndrome. Identifiers: Orphanet 33069, MedGen C0751122, MONDO:0100135, OMIM 607208.

Submission:

Broad Center for Mendelian Genomics, Broad Institute of MIT and Harvard
Classification: Likely pathogenic for Severe myoclonic epilepsy in infancy. Last evaluated: 2026-03-02. Review status: criteria provided, single submitter. Criteria: ACMG Guidelines, 2015. Collection method: research. Allele origin: germline. Inheritance: Autosomal dominant inheritance.
Comment: Trio exome analysis showed this variant to be de novo. The p.Gln1914Ter variant in SCN1A has not been previously reported in the literature in individuals with Dravet syndrome and was absent from large population studies. This nonsense variant leads to a premature termination codon at position 1914. This alteration occurs within the the last exon and is more likely to escape nonsense mediated decay (NMD) and result in a truncated protein. Several truncating variants downstream of this variant are pathogenic/likely pathogenic, which implies this region is critical to protein function. Heterozygous loss of function of the SCN1A gene is an established disease mechanism in Dravet syndrome. In summary, although additional studies are required to fully establish its clinical significance, this variant is likely pathogenic for autosomal dominant Dravet syndrome. ACMG/AMP Criteria applied: PVS1_strong, PM2_supporting, PS2_supporting (Richards 2015).

NM_001165963.4(SCN1A):c.5740C>T (p.Gln1914Ter)

Genes: SCN1A (sodium voltage-gated channel alpha subunit 1; minus strand), LOC102724058 (uncharacterized LOC102724058; plus strand). Cytogenetic location: 2q24.3.
Variant type: single nucleotide variant.
Coding change: c.5740C>T on transcript NM_001165963.4 (MANE Select); coding-DNA position 5740, C replaced by T.
Protein change: p.Gln1914Ter; replaces glutamine 1914 with a stop codon.
Molecular consequence: nonsense. On other transcripts: non-coding transcript variant (1).
Genome position (GRCh38, 1-based): chr2:165,991,535, G>A on the plus strand (C>T on the coding strand, the complement: SCN1A is on the minus strand). VCF-style: chr2-165991535-G-A. GRCh37 (hg19) VCF-style: chr2-166848045-G-A.
Other names: NM_001165963.4:c.5740C>T; c.5656C>T, p.Gln1886Ter (NM_001165964.3, NM_001353957.2, NM_001353958.2); c.5740C>T, p.Gln1914Ter (NM_001202435.3, NM_001353948.2); c.5707C>T, p.Gln1903Ter (NM_001353949.2, NM_001353950.2, NM_001353951.2 and 2 more transcripts); c.5704C>T, p.Gln1902Ter (NM_001353954.2, NM_001353955.2); c.5653C>T, p.Gln1885Ter (NM_001353960.2); c.3298C>T, p.Gln1100Ter (NM_001353961.2); short protein forms Q1100*, Q1885*, Q1886*, Q1902*, Q1903*, Q1914*.
Identifiers: ClinVar variation 4819454 (VCV004819454.1).